The following is an entry in ClinVar:

ClinVar aggregate classification (germline): Uncertain significance (1 of 4 stars; one submission).

gnomAD v4.1: 3 of 1,610,604 alleles (0.00019%); highest among the groups gnomAD compares: Admixed American, 0.0017%; no homozygotes.

Submission:

Labcorp Genetics (formerly Invitae), Labcorp
Classification: Uncertain significance. Last evaluated: 2025-10-09. Review status: criteria provided, single submitter. Criteria: Invitae Variant Classification Sherloc (09022015). Collection method: clinical testing. Allele origin: germline.
Comment: This sequence change replaces glycine, which is neutral and non-polar, with arginine, which is basic and polar, at codon 19 of the TSPEAR protein (p.Gly19Arg). This variant is present in population databases (rs782382942, gnomAD 0.003%). This variant has not been reported in the literature in individuals affected with TSPEAR-related conditions. An algorithm developed to predict the effect of missense changes on protein structure and function (PolyPhen-2) suggests that this variant is likely to be tolerated. In summary, the available evidence is currently insufficient to determine the role of this variant in disease. Therefore, it has been classified as a Variant of Uncertain Significance.

NM_144991.3(TSPEAR):c.55G>C (p.Gly19Arg)

Gene: TSPEAR (thrombospondin type laminin G domain and EAR repeats; minus strand). Cytogenetic location: 21q22.3.
Variant type: single nucleotide variant.
Coding change: c.55G>C on transcript NM_144991.3 (MANE Select); coding-DNA position 55, G replaced by C.
Protein change: p.Gly19Arg; replaces glycine 19 with arginine.
Molecular consequence: missense variant. On other transcripts: 5 prime UTR variant (1).
Genome position (GRCh38, 1-based): chr21:44,711,460, C>G on the plus strand (G>C on the coding strand, the complement: TSPEAR is on the minus strand). VCF-style: chr21-44711460-C-G. GRCh37 (hg19) VCF-style: chr21-46131375-C-G.
Other names: c.-212G>C (NM_001272037.2); short protein forms G19R.
Identifiers: ClinVar variation 4768594 (VCV004768594.1).
Genomic context (GRCh38, chr21:44,711,460, plus strand): 5'-ACCCCCGCCCGAGTTCCCATGCCCCTGCCTTACCTGTGCAGGGCTCCCAACCCTGCGTGC[C>G]GTGGCCGGGGGCCGCCAGGGGCAGCACAAAACACAGACTCAGCAGGGCAGACATGAGGGG-3'
Protein context (NP_659428.2, residues 9-29): FVLPLAAPGH[Gly19Arg]TQGWEPCTDL